The following is an entry in ClinVar:

ClinVar aggregate classification (germline): Pathogenic (1 of 4 stars; one submission).

Conditions:
Dilated cardiomyopathy 1DD (CMD1DD). Identifiers: Orphanet 154, MedGen C2750995, MONDO:0013168, OMIM 613172.

Submission:

Labcorp Genetics (formerly Invitae), Labcorp
Classification: Pathogenic for Dilated cardiomyopathy 1DD. Last evaluated: 2025-11-21. Review status: criteria provided, single submitter. Criteria: Invitae Variant Classification Sherloc (09022015). Collection method: clinical testing. Allele origin: germline.
Comment: This sequence change creates a premature translational stop signal (p.Gln43*) in the RBM20 gene. It is expected to result in an absent or disrupted protein product. Loss-of-function variants in RBM20 are known to be pathogenic (PMID: 20590677, 22004663, 38288598, 38510713, 40339755). This variant is not present in population databases (gnomAD no frequency). This variant has not been reported in the literature in individuals affected with RBM20-related conditions. ClinVar contains an entry for this variant (Variation ID: 2693203). For these reasons, this variant has been classified as Pathogenic.

Literature cited by the submitters: PubMed 20590677; PubMed 22004663; PubMed 38288598; PubMed 38510713; PubMed 40339755.

NM_001134363.3(RBM20):c.127C>T (p.Gln43Ter)

Gene: RBM20 (RNA binding motif protein 20; plus strand). Cytogenetic location: 10q25.2.
Variant type: single nucleotide variant.
Coding change: c.127C>T on transcript NM_001134363.3 (MANE Select); coding-DNA position 127, C replaced by T.
Protein change: p.Gln43Ter; replaces glutamine 43 with a stop codon.
Molecular consequence: nonsense.
Genome position (GRCh38, 1-based): chr10:110,644,581, C>T. VCF-style: chr10-110644581-C-T. GRCh37 (hg19) VCF-style: chr10-112404339-C-T.
Other names: short protein forms Q43*.
Identifiers: ClinVar variation 2693203 (VCV002693203.3), dbSNP rs1861840105, ClinGen allele CA378527780.